The following is an entry in ClinVar:

ClinVar aggregate classification (germline): Uncertain significance (1 of 4 stars; one submission).

Conditions:
Charcot-Marie-Tooth disease axonal type 2O. Also called: CHARCOT-MARIE-TOOTH NEUROPATHY, AXONAL, TYPE 2O; CHARCOT-MARIE-TOOTH DISEASE, AXONAL, AUTOSOMAL DOMINANT, TYPE 2O; Charcot-Marie-Tooth Neuropathy Type 2O; Charcot-Marie-Tooth disease, axonal, type 20. Identifiers: Orphanet 284232, MedGen C3280220, MONDO:0013644, OMIM 614228.

Submission:

Labcorp Genetics (formerly Invitae), Labcorp
Classification: Uncertain significance for Charcot-Marie-Tooth disease axonal type 2O. Last evaluated: 2025-08-18. Review status: criteria provided, single submitter. Criteria: Invitae Variant Classification Sherloc (09022015). Collection method: clinical testing. Allele origin: germline.
Comment: This sequence change replaces valine, which is neutral and non-polar, with isoleucine, which is neutral and non-polar, at codon 2899 of the DYNC1H1 protein (p.Val2899Ile). This variant is not present in population databases (gnomAD no frequency). This variant has not been reported in the literature in individuals affected with DYNC1H1-related conditions. Invitae Evidence Modeling of protein sequence and biophysical properties (such as structural, functional, and spatial information, amino acid conservation, physicochemical variation, residue mobility, and thermodynamic stability) indicates that this missense variant is not expected to disrupt DYNC1H1 protein function with a negative predictive value of 95%. In summary, the available evidence is currently insufficient to determine the role of this variant in disease. Therefore, it has been classified as a Variant of Uncertain Significance.

NM_001376.5(DYNC1H1):c.8695G>A (p.Val2899Ile)

Gene: DYNC1H1 (dynein cytoplasmic 1 heavy chain 1; plus strand). Cytogenetic location: 14q32.31.
Variant type: single nucleotide variant.
Coding change: c.8695G>A on transcript NM_001376.5 (MANE Select); coding-DNA position 8695, G replaced by A.
Protein change: p.Val2899Ile; replaces valine 2899 with isoleucine.
Molecular consequence: missense variant.
Genome position (GRCh38, 1-based): chr14:102,026,631, G>A. VCF-style: chr14-102026631-G-A. GRCh37 (hg19) VCF-style: chr14-102492968-G-A.
Other names: short protein forms V2899I.
Identifiers: ClinVar variation 4802068 (VCV004802068.1).